The following is an entry in ClinVar:

ClinVar aggregate classification (germline): Uncertain significance (1 of 4 stars; one submission).

Submission:

Labcorp Genetics (formerly Invitae), Labcorp
Classification: Uncertain significance. Last evaluated: 2022-06-27. Review status: criteria provided, single submitter. Criteria: Invitae Variant Classification Sherloc (09022015). Collection method: clinical testing. Allele origin: germline.
Comment: In summary, the available evidence is currently insufficient to determine the role of this variant in disease. Therefore, it has been classified as a Variant of Uncertain Significance. Algorithms developed to predict the effect of missense changes on protein structure and function are either unavailable or do not agree on the potential impact of this missense change (SIFT: "Deleterious"; PolyPhen-2: "Probably Damaging"; Align-GVGD: "Class C0"). This variant has not been reported in the literature in individuals affected with ATP6AP1-related conditions. This variant is not present in population databases (gnomAD no frequency). This sequence change replaces leucine, which is neutral and non-polar, with proline, which is neutral and non-polar, at codon 148 of the ATP6AP1 protein (p.Leu148Pro).

NM_001183.6(ATP6AP1):c.443T>C (p.Leu148Pro)

Gene: ATP6AP1 (ATPase H+ transporting accessory protein 1; plus strand). Cytogenetic location: Xq28.
Variant type: single nucleotide variant.
Coding change: c.443T>C on transcript NM_001183.6 (MANE Select); coding-DNA position 443, T replaced by C.
Protein change: p.Leu148Pro; replaces leucine 148 with proline.
Molecular consequence: missense variant.
Genome position (GRCh38, 1-based): chrX:154,432,345, T>C. VCF-style: chrX-154432345-T-C. GRCh37 (hg19) VCF-style: chrX-153660691-T-C.
Other names: short protein forms L148P.
Identifiers: ClinVar variation 1413523 (VCV001413523.6), dbSNP rs2148223390, ClinGen allele CA415189524.